The following is an entry in ClinVar:

NM_007294.4(BRCA1):c.4021G>A (p.Val1341Ile)

Genes: BRCA1 (BRCA1 DNA repair associated; minus strand), LOC126862571 (BRD4-independent group 4 enhancer GRCh37_chr17:41243136-41244335; plus strand). Cytogenetic location: 17q21.31.
Variant type: single nucleotide variant.
Coding change: c.4021G>A on transcript NM_007294.4 (MANE Select); coding-DNA position 4021, G replaced by A.
Protein change: p.Val1341Ile; replaces valine 1341 with isoleucine.
Molecular consequence: missense variant. On other transcripts: intron variant (135).
Genome position (GRCh38, 1-based): chr17:43,091,510, C>T on the plus strand (G>A on the coding strand, the complement: BRCA1 is on the minus strand). VCF-style: chr17-43091510-C-T. GRCh37 (hg19) VCF-style: chr17-41243527-C-T.
Other names: c.3757G>A, p.Val1253Ile (NM_001407933.1, NM_001407935.1, NM_001407920.1 and 9 more transcripts); c.3754G>A, p.Val1252Ile (NM_001407934.1, NM_001407936.1, NM_001407930.1 and 2 more transcripts); c.3898G>A, p.Val1300Ile (NM_001407937.1, NM_001407938.1, NM_001407939.1 and 19 more transcripts); c.3688G>A, p.Val1230Ile (NM_001407947.1, NM_001407946.1, NM_001407948.1 and 6 more transcripts); c.3880G>A, p.Val1294Ile (NM_001407944.1, NM_001407945.1, NM_001407942.1 and 29 more transcripts); c.3895G>A, p.Val1299Ile (NM_001407940.1, NM_001407941.1, NM_001407649.1 and 11 more transcripts); c.3877G>A, p.Val1293Ile (NM_001407943.1, NM_001407740.1, NM_001407741.1 and 20 more transcripts); c.788-478G>A (NM_007299.4, NM_001407974.1, NM_001407973.1 and 17 more transcripts); and 41 more; short protein forms V1341I, V1294I, V1229I, V1230I, V1270I, V1273I, V1315I, V473I.
Identifiers: ClinVar variation 479257 (VCV000479257.21), dbSNP rs762908108, ClinGen allele CA059050.

ClinVar aggregate classification (germline): Conflicting classifications of pathogenicity. Review status: criteria provided, conflicting classifications (1 of 4 stars). 4 submissions from 4 submitters: Uncertain significance (3); Likely benign (1). Last evaluated 2025-06-17.

Conditions:
Hereditary breast ovarian cancer syndrome. Also called: Hereditary breast and ovarian cancer syndrome (HBOC); Hereditary breast and ovarian cancer syndrome; Breast and ovarian cancer; BRCA1- and BRCA2-Associated Hereditary Breast and Ovarian Cancer; Hereditary breast and ovarian cancer; Hereditary breast and/or ovarian cancer syndrome. Identifiers: Orphanet 145, MedGen C0677776, MeSH D061325, MONDO:0003582. Disease mechanism: loss of function.
Hereditary cancer-predisposing syndrome. Also called: Neoplastic Syndromes, Hereditary; Hereditary Cancer Syndrome; Hereditary neoplastic syndrome; Tumor predisposition. Identifiers: Orphanet 140162, MedGen C0027672, MeSH D009386, MONDO:0015356.

Allele frequency attached by ClinVar (database versions not stated): gnomAD exomes below 0.00001 and 0.00001; ExAC 0.00002.
gnomAD v4.1: 2 of 1,613,842 alleles (0.00012%); highest among the groups gnomAD compares: Non-Finnish European, 0.00017%; no homozygotes.

Submissions (4):

Color Diagnostics, LLC DBA Color Health
Classification: Uncertain significance for Hereditary cancer-predisposing syndrome. Last evaluated: 2025-06-17. Review status: criteria provided, single submitter. Criteria: ACMG Guidelines, 2015. Collection method: clinical testing. Allele origin: germline.
Comment: This missense variant replaces valine with isoleucine at codon 1341 of the BRCA1 protein. Computational prediction is inconclusive regarding the impact of this variant on protein structure and function. To our knowledge, functional studies have not been reported for this variant. This variant has not been reported in individuals affected with BRCA1-related disorders in the literature. This variant has been identified in 2/251138 chromosomes in the general population by the Genome Aggregation Database (gnomAD). The available evidence is insufficient to determine the role of this variant in disease conclusively. Therefore, this variant is classified as a Variant of Uncertain Significance.

Labcorp Genetics (formerly Invitae), Labcorp
Classification: Uncertain significance for Hereditary breast ovarian cancer syndrome. Last evaluated: 2024-06-21. Review status: criteria provided, single submitter. Criteria: Invitae Variant Classification Sherloc (09022015). Collection method: clinical testing. Allele origin: germline.
Comment: This sequence change replaces valine, which is neutral and non-polar, with isoleucine, which is neutral and non-polar, at codon 1341 of the BRCA1 protein (p.Val1341Ile). This variant is present in population databases (rs762908108, gnomAD 0.002%). This variant has not been reported in the literature in individuals affected with BRCA1-related conditions. ClinVar contains an entry for this variant (Variation ID: 479257). Advanced modeling of protein sequence and biophysical properties (such as structural, functional, and spatial information, amino acid conservation, physicochemical variation, residue mobility, and thermodynamic stability) performed at Invitae indicates that this missense variant is not expected to disrupt BRCA1 protein function with a negative predictive value of 95%. In summary, the available evidence is currently insufficient to determine the role of this variant in disease. Therefore, it has been classified as a Variant of Uncertain Significance.

University of Washington Department of Laboratory Medicine, University of Washington
Classification: Likely benign for Hereditary cancer-predisposing syndrome. Last evaluated: 2023-03-23. Review status: criteria provided, single submitter. Criteria: Dines et al. (Genet Med. 2020). Collection method: curation. Allele origin: germline.
Comment: Missense variant in a coldspot region where missense variants are very unlikely to be pathogenic (PMID:31911673).

BRCA1 coldspot (exon 11 using historical exon numbering). Reclassification based on statistical prior probability

Ambry Genetics
Classification: Uncertain significance for Hereditary cancer-predisposing syndrome. Last evaluated: 2022-04-21. Review status: criteria provided, single submitter. Criteria: Ambry Variant Classification Scheme 2023. Collection method: clinical testing. Allele origin: germline.
Comment: The p.V1341I variant (also known as c.4021G>A), located in coding exon 9 of the BRCA1 gene, results from a G to A substitution at nucleotide position 4021. The valine at codon 1341 is replaced by isoleucine, an amino acid with highly similar properties. This amino acid position is not well conserved in available vertebrate species. In addition, this alteration is predicted to be tolerated by in silico analysis. Since supporting evidence is limited at this time, the clinical significance of this alteration remains unclear.